The following is an entry in ClinVar:

ClinVar aggregate classification (germline): Uncertain significance. Review status: criteria provided, multiple submitters, no conflicts (2 of 4 stars). 2 submissions from 2 submitters: Uncertain significance (2). Last evaluated 2024-12-15.

Conditions:
Juvenile polyposis syndrome (JPS). Identifiers: Orphanet 2929, MedGen C0345893, MONDO:0017380, OMIM 174900.
Hereditary cancer-predisposing syndrome. Also called: Hereditary Cancer Syndrome; Hereditary neoplastic syndrome; Neoplastic Syndromes, Hereditary; Tumor predisposition. Identifiers: Orphanet 140162, MedGen C0027672, MeSH D009386, MONDO:0015356.
Familial thoracic aortic aneurysm and aortic dissection (TAAD). Also called: Thoracic aortic aneurysms and dissections. Identifiers: Orphanet 91387, MedGen C4707243, MONDO:0019625.

Submissions (2):

Labcorp Genetics (formerly Invitae), Labcorp
Classification: Uncertain significance for Juvenile polyposis syndrome. Last evaluated: 2024-12-15. Review status: criteria provided, single submitter. Criteria: Invitae Variant Classification Sherloc (09022015). Collection method: clinical testing. Allele origin: germline.
Comment: This sequence change replaces cysteine, which is neutral and slightly polar, with tyrosine, which is neutral and polar, at codon 345 of the SMAD4 protein (p.Cys345Tyr). This variant is not present in population databases (gnomAD no frequency). This variant has not been reported in the literature in individuals affected with SMAD4-related conditions. Invitae Evidence Modeling of protein sequence and biophysical properties (such as structural, functional, and spatial information, amino acid conservation, physicochemical variation, residue mobility, and thermodynamic stability) has been performed for this missense variant. However, the output from this modeling did not meet the statistical confidence thresholds required to predict the impact of this variant on SMAD4 protein function. In summary, the available evidence is currently insufficient to determine the role of this variant in disease. Therefore, it has been classified as a Variant of Uncertain Significance.

Ambry Genetics
Classification: Uncertain significance for Hereditary cancer-predisposing syndrome; Familial thoracic aortic aneurysm and aortic dissection. Last evaluated: 2024-08-13. Review status: criteria provided, single submitter. Criteria: Ambry Variant Classification Scheme 2023. Collection method: clinical testing. Allele origin: germline.
Comment: The p.C345Y variant (also known as c.1034G>A), located in coding exon 8 of the SMAD4 gene, results from a G to A substitution at nucleotide position 1034. The cysteine at codon 345 is replaced by tyrosine, an amino acid with highly dissimilar properties. This amino acid position is highly conserved in available vertebrate species. In addition, this alteration is predicted to be deleterious by in silico analysis. Based on the available evidence, the clinical significance of this variant remains unclear.

NM_005359.6(SMAD4):c.1034G>A (p.Cys345Tyr)

Gene: SMAD4 (SMAD family member 4; plus strand). Cytogenetic location: 18q21.2.
Variant type: single nucleotide variant.
Coding change: c.1034G>A on transcript NM_005359.6 (MANE Select); coding-DNA position 1034, G replaced by A.
Protein change: p.Cys345Tyr; replaces cysteine 345 with tyrosine.
Molecular consequence: missense variant. On other transcripts: non-coding transcript variant (2).
Genome position (GRCh38, 1-based): chr18:51,065,501, G>A. VCF-style: chr18-51065501-G-A. GRCh37 (hg19) VCF-style: chr18-48591871-G-A.
Other names: c.1034G>A, p.Cys345Tyr (NM_001407041.1, NM_001407042.1, NM_001407043.1); short protein forms C345Y.
Identifiers: ClinVar variation 3445845 (VCV003445845.3).